The following is an entry in ClinVar:

ClinVar aggregate classification (germline): Pathogenic/Likely pathogenic. Review status: criteria provided, multiple submitters, no conflicts (2 of 4 stars). 2 submissions from 2 submitters: Pathogenic (1); Likely pathogenic (1). Last evaluated 2025-05-12.

Conditions:
Inborn genetic diseases. Identifiers: MedGen C0950123, MeSH D030342.

gnomAD v4.1: 5 of 1,453,256 alleles (0.00034%); highest among the groups gnomAD compares: Admixed American, 0.0067%; no homozygotes.

Submissions (2):

Ambry Genetics
Classification: Likely pathogenic for Inborn genetic diseases. Last evaluated: 2025-05-12. Review status: criteria provided, single submitter. Criteria: Ambry Variant Classification Scheme 2023. Collection method: clinical testing. Allele origin: germline.
Comment: The c.1214+2T>C intronic variant results from a T to C substitution two nucleotide(s) after coding exon 13 of the GLMN gene. Alterations that disrupt the canonical splice site are expected to cause aberrant splicing, resulting in an abnormal protein or a transcript that is subject to nonsense-mediated mRNA decay. Based on data from gnomAD, the C allele has an overall frequency of 0.003% (1/31386) total alleles studied. The highest observed frequency was 0.118% (1/846) of Latino alleles. This variant was reported in individual(s) with features consistent with glomuvenous malformations (Brouillard, 2013; Couselo-Rodr&iacute;guez, 2023; external communication). This nucleotide position is highly conserved in available vertebrate species. In silico splice site analysis predicts that this alteration will weaken the native splice donor site. Based on the available evidence, this alteration is classified as likely pathogenic.

GeneDx
Classification: Pathogenic. Last evaluated: 2024-06-26. Review status: criteria provided, single submitter. Criteria: GeneDx Variant Classification Process June 2021. Collection method: clinical testing. Allele origin: germline. Affected: yes.
Comment: Identified in a cohort of individuals with glomuvenous malformations (PMID: 23801931); Canonical splice site variant predicted to result in a null allele in a gene for which loss of function is a known mechanism of disease; Not observed at significant frequency in large population cohorts (gnomAD); This variant is associated with the following publications: (PMID: 35506490, 23801931)

Literature cited by the submitters: PubMed 23801931 (cited by Ambry Genetics); PubMed 35506490 (cited by Ambry Genetics).

NM_053274.3(GLMN):c.1214+2T>C

Gene: GLMN (glomulin, FKBP associated protein; minus strand). Cytogenetic location: 1p22.1.
Variant type: single nucleotide variant.
Coding change: c.1214+2T>C on transcript NM_053274.3 (MANE Select); the canonical splice donor site of the intron after coding-DNA position 1214, T replaced by C.
Molecular consequence: splice donor variant.
Genome position (GRCh38, 1-based): chr1:92,266,417, A>G on the plus strand (T>C on the coding strand, the complement: GLMN is on the minus strand). VCF-style: chr1-92266417-A-G. GRCh37 (hg19) VCF-style: chr1-92731974-A-G.
Other names: c.1172+2T>C (NM_001319683.2); c.1214+2T>C (NM_053274.2).
Identifiers: ClinVar variation 3392910 (VCV003392910.2).